The following is an entry in ClinVar:

NM_001852.4(COL9A2):c.1316G>A (p.Gly439Asp)

Gene: COL9A2 (collagen type IX alpha 2 chain; minus strand). Cytogenetic location: 1p34.2.
Variant type: single nucleotide variant.
Coding change: c.1316G>A on transcript NM_001852.4 (MANE Select); coding-DNA position 1316, G replaced by A.
Protein change: p.Gly439Asp; replaces glycine 439 with aspartic acid.
Molecular consequence: missense variant.
Genome position (GRCh38, 1-based): chr1:40,304,071, C>T on the plus strand (G>A on the coding strand, the complement: COL9A2 is on the minus strand). VCF-style: chr1-40304071-C-T. GRCh37 (hg19) VCF-style: chr1-40769743-C-T.
Other names: short protein forms G439D.
Identifiers: ClinVar variation 3017748 (VCV003017748.3), dbSNP rs2522493828, ClinGen allele CA339880333.

ClinVar aggregate classification (germline): Uncertain significance (1 of 4 stars; one submission).

Allele frequency attached by ClinVar (database versions not stated): gnomAD exomes below 0.00001.
gnomAD v4.1: 1 of 1,575,926 alleles (0.000063%); no homozygotes.

Submission:

Labcorp Genetics (formerly Invitae), Labcorp
Classification: Uncertain significance. Last evaluated: 2023-03-29. Review status: criteria provided, single submitter. Criteria: Invitae Variant Classification Sherloc (09022015). Collection method: clinical testing. Allele origin: germline.
Comment: This sequence change replaces glycine, which is neutral and non-polar, with aspartic acid, which is acidic and polar, at codon 439 of the COL9A2 protein (p.Gly439Asp). This variant is not present in population databases (gnomAD no frequency). This variant has not been reported in the literature in individuals affected with COL9A2-related conditions. Advanced modeling of protein sequence and biophysical properties (such as structural, functional, and spatial information, amino acid conservation, physicochemical variation, residue mobility, and thermodynamic stability) performed at Invitae indicates that this missense variant is expected to disrupt COL9A2 protein function. In summary, the available evidence is currently insufficient to determine the role of this variant in disease. Therefore, it has been classified as a Variant of Uncertain Significance.